The following is an entry in ClinVar:

NC_000019.9:g.(?_17666523)_(17887515_?)del

Genes: COLGALT1 (collagen beta(1-O)galactosyltransferase 1; plus strand), FCHO1 (FCH and mu domain containing endocytic adaptor 1; plus strand), MAP1S (microtubule associated protein 1S; plus strand), UNC13A (unc-13 homolog A; minus strand). Cytogenetic location: 19p13.11.
Variant type: Deletion.
Identifiers: ClinVar variation 3242663 (VCV003242663.1).

ClinVar aggregate classification (germline): Pathogenic (1 of 4 stars; one submission).

Submission:

Labcorp Genetics (formerly Invitae), Labcorp
Classification: Pathogenic. Last evaluated: 2023-01-27. Review status: criteria provided, single submitter. Criteria: Invitae Variant Classification Sherloc (09022015). Collection method: clinical testing. Allele origin: unknown.
Comment: This variant is a gross deletion of the genomic region encompassing exon(s) 1-18 of the FCHO1 gene, which includes the initiator codon. This deletion extends beyond the assayed region for this gene and therefore may encompass additional genes. It is expected to result in an absent or disrupted protein product. Loss-of-function variants in FCHO1 are known to be pathogenic (PMID: 30822429). For these reasons, this variant has been classified as Pathogenic. This variant has not been reported in the literature in individuals affected with FCHO1-related conditions.

Literature cited by the submitters: PubMed 30822429.